The following is an entry in ClinVar:

NM_003079.5(SMARCE1):c.369+4G>C

Gene: SMARCE1 (SWI/SNF related BAF chromatin remodeling complex subunit E1; minus strand). Cytogenetic location: 17q21.2.
Variant type: single nucleotide variant.
Coding change: c.369+4G>C on transcript NM_003079.5 (MANE Select); 4 bases into the intron after coding-DNA position 369, G replaced by C.
Molecular consequence: intron variant.
Genome position (GRCh38, 1-based): chr17:40,636,391, C>G on the plus strand (G>C on the coding strand, the complement: SMARCE1 is on the minus strand). VCF-style: chr17-40636391-C-G. GRCh37 (hg19) VCF-style: chr17-38792643-C-G.
Identifiers: ClinVar variation 1468536 (VCV001468536.8), dbSNP rs1597746280, ClinGen allele CA2573153806.

ClinVar aggregate classification (germline): Conflicting classifications of pathogenicity. Review status: criteria provided, conflicting classifications (1 of 4 stars). 2 submissions from 2 submitters: Uncertain significance (1); Likely benign (1). Last evaluated 2021-04-19.

Conditions:
Hereditary cancer-predisposing syndrome. Also called: Tumor predisposition; Hereditary Cancer Syndrome; Hereditary neoplastic syndrome; Neoplastic Syndromes, Hereditary. Identifiers: Orphanet 140162, MedGen C0027672, MeSH D009386, MONDO:0015356.
Familial meningioma. Also called: Meningioma, familial, susceptibility to. Identifiers: Orphanet 263662, MedGen C3551915, MONDO:0011789, OMIM 607174.

Submissions (2):

Labcorp Genetics (formerly Invitae), Labcorp
Classification: Uncertain significance for Familial meningioma. Last evaluated: 2021-04-19. Review status: criteria provided, single submitter. Criteria: Invitae Variant Classification Sherloc (09022015). Collection method: clinical testing. Allele origin: germline.
Comment: In summary, the available evidence is currently insufficient to determine the role of this variant in disease. Therefore, it has been classified as a Variant of Uncertain Significance. This sequence change falls in intron 6 of the SMARCE1 gene. It does not directly change the encoded amino acid sequence of the SMARCE1 protein. It affects a nucleotide within the consensus splice site of the intron. This variant is not present in population databases (ExAC no frequency). This variant has not been reported in the literature in individuals with SMARCE1-related conditions. Nucleotide substitutions within the consensus splice site are a relatively common cause of aberrant splicing (PMID: 17576681, 9536098). Algorithms developed to predict the effect of sequence changes on RNA splicing suggest that this variant is not likely to affect RNA splicing, but this prediction has not been confirmed by published transcriptional studies.

Ambry Genetics
Classification: Likely benign for Hereditary cancer-predisposing syndrome. Last evaluated: 2020-09-09. Review status: criteria provided, single submitter. Criteria: Ambry Variant Classification Scheme 2023. Collection method: clinical testing. Allele origin: germline.

Literature cited by the submitters: PubMed 17576681 (cited by Labcorp Genetics (formerly Invitae), Labcorp); PubMed 9536098 (cited by Labcorp Genetics (formerly Invitae), Labcorp).